The following is an entry in ClinVar:

ClinVar aggregate classification (germline): Uncertain significance (1 of 4 stars; one submission).

Conditions:
Cardiovascular phenotype. Identifiers: MedGen CN230736.

Submission:

Ambry Genetics
Classification: Uncertain significance for Cardiovascular phenotype. Last evaluated: 2026-02-06. Review status: criteria provided, single submitter. Criteria: Ambry Variant Classification Scheme 2023. Collection method: clinical testing. Allele origin: germline.
Comment: The c.71649_71651delCAA variant (also known as p.N23883del) is located in coding exon 180 of the TTN gene. This variant results from an in-frame CAA deletion at nucleotide positions 71649 to 71651. This results in the in-frame deletion of an asparagine at codon 23883. This amino acid position is highly conserved in available vertebrate species. In addition, this variant is predicted to be deleterious by in silico analysis (Choi Y et al. PLoS ONE. 2012; 7(10):e46688). Based on the available evidence, the clinical significance of this variant remains unclear.

NM_001267550.2(TTN):c.98841CAA[1] (p.Asn32948del)

Genes: TTN (titin; minus strand), TTN-AS1 (TTN antisense RNA 1; plus strand). Cytogenetic location: 2q31.2.
Variant type: Microsatellite.
Coding change: c.98841CAA[1] on transcript NM_001267550.2 (MANE Select); one copy of the 3-base unit CAA starting at c.98841; the reference has two copies in a row; one copy, 3 bases deleted.
Protein change: p.Asn32948del; deletes asparagine 32948.
Molecular consequence: non-coding transcript variant (on NR_038272.1).
Genome position (GRCh38, 1-based): chr2:178,539,089-178,539,091, TTG deleted on the plus strand (CAA on the coding strand, the reverse complement: TTN is on the minus strand); deleting any 3 consecutive bases within chr2:178,539,089-178,539,095 gives the same sequence; the position shown is the placement nearest the transcript's 3' end. VCF-style (leftmost placement, unchanged base first): chr2-178539088-CTTG-C. GRCh37 (hg19) VCF-style: chr2-179403815-CTTG-C.
Other names: c.71649_71651delCAA (NM_003319.4); c.93918CAA[1], p.Asn31307del (NM_001256850.1); c.71646CAA[1], p.Asn23883del (NM_003319.4); c.91137CAA[1], p.Asn30380del (NM_133378.4); c.72021CAA[1], p.Asn24008del (NM_133432.3); c.72222CAA[1], p.Asn24075del (NM_133437.4); short protein forms N24008del, N24075del, N31307del, N32948del, N23883del, N30380del.
Identifiers: ClinVar variation 4832359 (VCV004832359.1).